The following is an entry in ClinVar:

ClinVar aggregate classification (germline): Benign/Likely benign. Review status: criteria provided, multiple submitters, no conflicts (2 of 4 stars). 7 submissions from 6 submitters: Benign (5); Likely benign (2). Last evaluated 2026-01-21.

Conditions:
Microcephaly 9, primary, autosomal recessive. Identifiers: Orphanet 2512, MedGen C3553886, MONDO:0013923, OMIM 614852.
Seckel syndrome 5 (SCKL5). Identifiers: Orphanet 808, MedGen C3151187, MONDO:0013443, OMIM 613823.

Allele frequency attached by ClinVar (database versions not stated): gnomAD exomes 0.00086; ExAC 0.00112; ESP Exome Variant Server 0.00299; gnomAD 0.00362 and 0.00380; TOPMed 0.00397; 1000 Genomes Project 0.00499; 1000 Genomes Project 30x 0.00578.
gnomAD v4.1: 1,054 of 1,596,432 alleles (0.066%); highest among the groups gnomAD compares: African/African-American, 1.3%; 7 homozygotes.

Submissions (7):

Labcorp Genetics (formerly Invitae), Labcorp
Classification: Benign. Last evaluated: 2026-01-21. Review status: criteria provided, single submitter. Criteria: Invitae Variant Classification Sherloc (09022015). Collection method: clinical testing. Allele origin: germline.

Blueprint Genetics
Classification: Benign. Last evaluated: 2024-11-25. Review status: criteria provided, single submitter. Criteria: ACMG Guidelines, 2015. Collection method: clinical testing. Allele origin: germline.

GeneDx
Classification: Likely benign. Last evaluated: 2021-04-19. Review status: criteria provided, single submitter. Criteria: GeneDx Variant Classification Process June 2021. Collection method: clinical testing. Allele origin: germline. Affected: yes.

Illumina Laboratory Services, Illumina
Classification: Likely benign for Microcephaly 9, primary, autosomal recessive. Last evaluated: 2018-01-12. Review status: criteria provided, single submitter. Criteria: ICSL Variant Classification Criteria 13 December 2019. Collection method: clinical testing. Allele origin: germline.
Comment: This variant was observed in the ICSL laboratory as part of a predisposition screen in an ostensibly healthy population. It had not been previously curated by ICSL or reported in the Human Gene Mutation Database (HGMD: prior to June 1st, 2018), and was therefore a candidate for classification through an automated scoring system. Utilizing variant allele frequency, disease prevalence and penetrance estimates, and inheritance mode, an automated score was calculated to assess if this variant is too frequent to cause the disease. Based on the score and internal cut-off values, a variant classified as likely benign is not then subjected to further curation. The score for this variant resulted in a classification of likely benign for this disease.

Illumina Laboratory Services, Illumina
Classification: Benign for Seckel syndrome 5. Last evaluated: 2018-01-12. Review status: criteria provided, single submitter. Criteria: ICSL Variant Classification Criteria 13 December 2019. Collection method: clinical testing. Allele origin: germline.
Comment: This variant was observed in the ICSL laboratory as part of a predisposition screen in an ostensibly healthy population. It had not been previously curated by ICSL or reported in the Human Gene Mutation Database (HGMD: prior to June 1st, 2018), and was therefore a candidate for classification through an automated scoring system. Utilizing variant allele frequency, disease prevalence and penetrance estimates, and inheritance mode, an automated score was calculated to assess if this variant is too frequent to cause the disease. Based on the score and internal cut-off values, a variant classified as benign is not then subjected to further curation. The score for this variant resulted in a classification of benign for this disease.

Genetic Services Laboratory, University of Chicago
Classification: Benign. Last evaluated: 2015-10-29. Review status: criteria provided, single submitter. Criteria: ACMG Guidelines, 2015. Collection method: clinical testing. Allele origin: germline. Affected: no.

Eurofins Ntd Llc (ga)
Classification: Benign. Last evaluated: 2013-07-08. Review status: criteria provided, single submitter. Criteria: EGL Classification Definitions 2015. Collection method: clinical testing. Allele origin: germline. Observed: 1 variant allele, 1 heterozygote.

NM_001194998.2(CEP152):c.4094-9A>T

Gene: CEP152 (centrosomal protein 152; minus strand). Cytogenetic location: 15q21.1.
Variant type: single nucleotide variant.
Coding change: c.4094-9A>T on transcript NM_001194998.2 (MANE Select); 9 bases into the intron before coding-DNA position 4094, A replaced by T.
Molecular consequence: intron variant.
Genome position (GRCh38, 1-based): chr15:48,739,297, T>A on the plus strand (A>T on the coding strand, the complement: CEP152 is on the minus strand). VCF-style: chr15-48739297-T-A. GRCh37 (hg19) VCF-style: chr15-49031494-T-A.
Other names: c.3926-9A>T (NM_014985.4).
Identifiers: ClinVar variation 95654 (VCV000095654.25), dbSNP rs80090788, ClinGen allele CA148697.